The following is an entry in ClinVar:

ClinVar aggregate classification (germline): Uncertain significance. Review status: criteria provided, multiple submitters, no conflicts (2 of 4 stars). 2 submissions from 2 submitters: Uncertain significance (2). Last evaluated 2025-09-22.

Conditions:
Anterior segment dysgenesis 7 (ASGD7). Also called: SCLEROCORNEA WITH OTHER OCULAR ANOMALIES; Anterior segment dysgenesis 7, with sclerocornea. Identifiers: Orphanet 289499, MedGen C3151617, MONDO:0010015, OMIM 269400.
Inborn genetic diseases. Identifiers: MedGen C0950123, MeSH D030342.

gnomAD v4.1: 32 of 1,613,858 alleles (0.002%); highest among the groups gnomAD compares: Non-Finnish European, 0.0025%; no homozygotes.

Submissions (2):

Ambry Genetics
Classification: Uncertain significance for Inborn genetic diseases. Last evaluated: 2025-09-22. Review status: criteria provided, single submitter. Criteria: Ambry Variant Classification Scheme 2023. Collection method: clinical testing. Allele origin: germline.

Labcorp Genetics (formerly Invitae), Labcorp
Classification: Uncertain significance for Anterior segment dysgenesis 7. Last evaluated: 2024-11-18. Review status: criteria provided, single submitter. Criteria: Invitae Variant Classification Sherloc (09022015). Collection method: clinical testing. Allele origin: germline.
Comment: This sequence change replaces glutamine, which is neutral and polar, with proline, which is neutral and non-polar, at codon 1362 of the PXDN protein (p.Gln1362Pro). This variant is present in population databases (rs773022517, gnomAD 0.003%). This variant has not been reported in the literature in individuals affected with PXDN-related conditions. ClinVar contains an entry for this variant (Variation ID: 2896009). An algorithm developed to predict the effect of missense changes on protein structure and function outputs the following: PolyPhen-2: "Benign". The proline amino acid residue is found in multiple mammalian species, which suggests that this missense change does not adversely affect protein function. In summary, the available evidence is currently insufficient to determine the role of this variant in disease. Therefore, it has been classified as a Variant of Uncertain Significance.

NM_012293.3(PXDN):c.4085A>C (p.Gln1362Pro)

Gene: PXDN (peroxidasin; minus strand). Cytogenetic location: 2p25.3.
Variant type: single nucleotide variant.
Coding change: c.4085A>C on transcript NM_012293.3 (MANE Select); coding-DNA position 4085, A replaced by C.
Protein change: p.Gln1362Pro; replaces glutamine 1362 with proline.
Molecular consequence: missense variant.
Genome position (GRCh38, 1-based): chr2:1,638,967, T>G on the plus strand (A>C on the coding strand, the complement: PXDN is on the minus strand). VCF-style: chr2-1638967-T-G. GRCh37 (hg19) VCF-style: chr2-1642739-T-G.
Other names: c.4085A>C (NM_012293.1); short protein forms Q1362P.
Identifiers: ClinVar variation 2896009 (VCV002896009.4), dbSNP rs773022517, ClinGen allele CA1512514.